The following is an entry in ClinVar:

ClinVar aggregate classification (germline): Uncertain significance. Review status: criteria provided, multiple submitters, no conflicts (2 of 4 stars). 3 submissions from 3 submitters: Uncertain significance (3). Last evaluated 2025-12-24.

Conditions:
Melanoma, cutaneous malignant, susceptibility to, 1 (CMM1). Also called: MELANOMA, MALIGNANT; DYSPLASTIC NEVUS SYNDROME, HEREDITARY; FAMILIAL ATYPICAL MOLE-MALIGNANT MELANOMA SYNDROME; B-K MOLE SYNDROME. Identifiers: Orphanet 618, MedGen C1835047, MONDO:0007963, OMIM 155600.
Cardiofaciocutaneous syndrome 1 (CFC1). Also called: BRAF-Related Cardiofaciocutaneous Syndrome; MAP2K1-Related Cardiofaciocutaneous Syndrome; KRAS-Related Cardiofaciocutaneous Syndrome; MAP2K2-Related Cardiofaciocutaneous Syndrome. Identifiers: Orphanet 1340, MedGen CN029449, MONDO:0007265, OMIM 115150. Disease mechanism: gain of function.
LEOPARD syndrome 3 (LPRD3). Identifiers: Orphanet 500, MedGen C3150971, MONDO:0013380, OMIM 613707.
Lung cancer. Also called: Lung cancer, somatic; Malignant tumor of lung. Identifiers: MedGen C0242379, MONDO:0008903, OMIM 211980.
Noonan syndrome 7 (NS7). Also called: BRAF-Related Noonan Syndrome. Identifiers: Orphanet 648, MedGen C3150970, MONDO:0013379, OMIM 613706.
Colorectal cancer. Also called: Colorectal cancer, somatic; Malignant Colorectal Neoplasm. Identifiers: MedGen C0346629, MONDO:0005575, OMIM 114500.
Cardiovascular phenotype. Identifiers: MedGen CN230736.
RASopathy. Also called: Noonan spectrum disorder; rasopathies. Identifiers: Orphanet 536391, MedGen C5555857, MONDO:0021060.

Allele frequency attached by ClinVar (database versions not stated): TOPMed 0.00002; gnomAD 0.00003.
gnomAD v4.1: 4 of 1,612,466 alleles (0.00025%); highest among the groups gnomAD compares: African/African-American, 0.0054%; no homozygotes.

Submissions (3):

Labcorp Genetics (formerly Invitae), Labcorp
Classification: Uncertain significance for RASopathy. Last evaluated: 2025-12-24. Review status: criteria provided, single submitter. Criteria: Invitae Variant Classification Sherloc (09022015). Collection method: clinical testing. Allele origin: germline.
Comment: This sequence change replaces serine, which is neutral and polar, with threonine, which is neutral and polar, at codon 744 of the BRAF protein (p.Ser744Thr). This variant is present in population databases (rs767671899, gnomAD 0.007%). This variant has not been reported in the literature in individuals affected with BRAF-related conditions. ClinVar contains an entry for this variant (Variation ID: 1788123). Invitae Evidence Modeling of protein sequence and biophysical properties (such as structural, functional, and spatial information, amino acid conservation, physicochemical variation, residue mobility, and thermodynamic stability) indicates that this missense variant is not expected to disrupt BRAF protein function with a negative predictive value of 95%. In summary, the available evidence is currently insufficient to determine the role of this variant in disease. Therefore, it has been classified as a Variant of Uncertain Significance.

Fulgent Genetics
Classification: Uncertain significance for Colorectal cancer; Cardiofaciocutaneous syndrome 1; Melanoma, cutaneous malignant, susceptibility to, 1; Lung cancer; Noonan syndrome 7; LEOPARD syndrome 3. Last evaluated: 2024-01-30. Review status: criteria provided, single submitter. Criteria: ACMG Guidelines, 2015. Collection method: clinical testing. Allele origin: germline.

Ambry Genetics
Classification: Uncertain significance for Cardiovascular phenotype. Last evaluated: 2020-09-30. Review status: criteria provided, single submitter. Criteria: Ambry Variant Classification Scheme 2023. Collection method: clinical testing. Allele origin: germline.
Comment: The p.S744T variant (also known as c.2231G>C), located in coding exon 18 of the BRAF gene, results from a G to C substitution at nucleotide position 2231. The serine at codon 744 is replaced by threonine, an amino acid with similar properties. This amino acid position is highly conserved in available vertebrate species. In addition, the in silico prediction for this alteration is inconclusive. Since supporting evidence is limited at this time, the clinical significance of this alteration remains unclear.

NM_004333.6(BRAF):c.2231G>C (p.Ser744Thr)

Gene: BRAF (B-Raf proto-oncogene, serine/threonine kinase; minus strand). Cytogenetic location: 7q34.
Variant type: single nucleotide variant.
Coding change: c.2231G>C on transcript NM_004333.6 (MANE Select); coding-DNA position 2231, G replaced by C.
Protein change: p.Ser744Thr; replaces serine 744 with threonine.
Molecular consequence: missense variant. On other transcripts: intron variant (2).
Genome position (GRCh38, 1-based): chr7:140,734,667, C>G on the plus strand (G>C on the coding strand, the complement: BRAF is on the minus strand). VCF-style: chr7-140734667-C-G. GRCh37 (hg19) VCF-style: chr7-140434467-C-G.
Other names: c.2231G>C, p.Ser744Thr (NM_001354609.2); c.2351G>C, p.Ser784Thr (NM_001374244.1, NM_001374258.1); c.2240G>C, p.Ser747Thr (NM_001378467.1); c.2165G>C, p.Ser722Thr (NM_001378469.1); c.2129G>C, p.Ser710Thr (NM_001378470.1); c.2120G>C, p.Ser707Thr (NM_001378471.1); c.2075G>C, p.Ser692Thr (NM_001378472.1, NM_001378473.1); c.1967G>C, p.Ser656Thr (NM_001378475.1); and 1 more; short protein forms S707T, S747T, S692T, S722T, S710T, S784T, S656T, S744T.
Identifiers: ClinVar variation 1788123 (VCV001788123.5), dbSNP rs767671899, ClinGen allele CA4516521.